The following is an entry in ClinVar:

ClinVar aggregate classification (germline): Uncertain significance (1 of 4 stars; one submission).

Submission:

GeneDx
Classification: Uncertain significance. Last evaluated: 2024-03-13. Review status: criteria provided, single submitter. Criteria: GeneDx Variant Classification Process June 2021. Collection method: clinical testing. Allele origin: germline. Affected: yes.
Comment: Not observed at significant frequency in large population cohorts (gnomAD); In silico analysis supports that this missense variant does not alter protein structure/function; Has not been previously published as pathogenic or benign to our knowledge

NM_017837.4(PIGV):c.1228A>T (p.Thr410Ser)

Gene: PIGV (phosphatidylinositol glycan anchor biosynthesis class V; plus strand). Cytogenetic location: 1p36.11.
Variant type: single nucleotide variant.
Coding change: c.1228A>T on transcript NM_017837.4 (MANE Select); coding-DNA position 1228, A replaced by T.
Protein change: p.Thr410Ser; replaces threonine 410 with serine.
Molecular consequence: missense variant. On other transcripts: non-coding transcript variant (1).
Genome position (GRCh38, 1-based): chr1:26,797,590, A>T. VCF-style: chr1-26797590-A-T. GRCh37 (hg19) VCF-style: chr1-27124081-A-T.
Other names: c.1228A>T, p.Thr410Ser (NM_001202554.2, NM_001374478.1, NM_001374480.1 and 2 more transcripts); c.847A>T, p.Thr283Ser (NM_001374483.1); c.601A>T, p.Thr201Ser (NM_001374484.1, NM_001374485.1); c.106A>T, p.Thr36Ser (NM_001374486.1); short protein forms T201S, T283S, T36S, T410S.
Identifiers: ClinVar variation 3370725 (VCV003370725.1).